The following is an entry in ClinVar:

NM_003239.5(TGFB3):c.646+1G>T

Gene: TGFB3 (transforming growth factor beta 3; minus strand). Cytogenetic location: 14q24.3.
Variant type: single nucleotide variant.
Coding change: c.646+1G>T on transcript NM_003239.5 (MANE Select); the canonical splice donor site of the intron after coding-DNA position 646, G replaced by T.
Molecular consequence: splice donor variant.
Genome position (GRCh38, 1-based): chr14:75,971,125, C>A on the plus strand (G>T on the coding strand, the complement: TGFB3 is on the minus strand). VCF-style: chr14-75971125-C-A. GRCh37 (hg19) VCF-style: chr14-76437468-C-A.
Other names: c.646+1G>T (NM_001329939.2, NM_001329938.2).
Identifiers: ClinVar variation 2115809 (VCV002115809.4), dbSNP rs2504110379, ClinGen allele CA390469376.

ClinVar aggregate classification (germline): Likely pathogenic (1 of 4 stars; one submission).

Conditions:
Rienhoff syndrome. Also called: LOEYS-DIETZ SYNDROME 5. Identifiers: MedGen C3810012, MONDO:0014262, OMIM 615582.

Submission:

Labcorp Genetics (formerly Invitae), Labcorp
Classification: Likely pathogenic for Rienhoff syndrome. Last evaluated: 2022-07-17. Review status: criteria provided, single submitter. Criteria: Invitae Variant Classification Sherloc (09022015). Collection method: clinical testing. Allele origin: germline.
Comment: Algorithms developed to predict the effect of sequence changes on RNA splicing suggest that this variant may disrupt the consensus splice site. This variant has not been reported in the literature in individuals affected with TGFB3-related conditions. This variant is not present in population databases (gnomAD no frequency). This sequence change affects a donor splice site in intron 3 of the TGFB3 gene. It is expected to disrupt RNA splicing. Variants that disrupt the donor or acceptor splice site typically lead to a loss of protein function (PMID: 16199547), and loss-of-function variants in TGFB3 are known to be pathogenic (PMID: 25835445, 26188975). In summary, the currently available evidence indicates that the variant is pathogenic, but additional data are needed to prove that conclusively. Therefore, this variant has been classified as Likely Pathogenic.

Literature cited by the submitters: PubMed 16199547; PubMed 25835445; PubMed 26188975.